The following is an entry in ClinVar:

NM_144997.7(FLCN):c.756G>A (p.Ala252=)

Gene: FLCN (folliculin; minus strand). Cytogenetic location: 17p11.2.
Variant type: single nucleotide variant.
Coding change: c.756G>A on transcript NM_144997.7 (MANE Select); coding-DNA position 756, G replaced by A.
Protein change: p.Ala252=; no amino-acid change (alanine 252 retained).
Molecular consequence: synonymous variant.
Genome position (GRCh38, 1-based): chr17:17,222,524, C>T on the plus strand (G>A on the coding strand, the complement: FLCN is on the minus strand). VCF-style: chr17-17222524-C-T. GRCh37 (hg19) VCF-style: chr17-17125838-C-T.
Other names: c.756G>A (NM_144997.6); c.810G>A, p.Ala270= (NM_001353229.2); c.756G>A, p.Ala252= (NM_001353230.2, NM_001353231.2, NM_144606.7).
Identifiers: ClinVar variation 705986 (VCV000705986.19), dbSNP rs746664975, ClinGen allele CA8416323.

ClinVar aggregate classification (germline): Benign/Likely benign. Review status: criteria provided, multiple submitters, no conflicts (2 of 4 stars). 6 submissions from 6 submitters: Benign (1); Likely benign (5). Last evaluated 2025-11-11.

Conditions:
Birt-Hogg-Dube syndrome 1 (BHD1). Also called: FIBROFOLLICULOMAS WITH TRICHODISCOMAS AND ACROCHORDONS. Identifiers: Orphanet 122, MedGen CN375946, MONDO:0800445, OMIM 135150.
Hereditary cancer-predisposing syndrome. Also called: Tumor predisposition; Hereditary neoplastic syndrome; Neoplastic Syndromes, Hereditary; Hereditary Cancer Syndrome. Identifiers: Orphanet 140162, MedGen C0027672, MeSH D009386, MONDO:0015356.
Birt-Hogg-Dube syndrome. Also called: Birt Hogg Dubé syndrome. Identifiers: Orphanet 122, MedGen C0346010, MONDO:0800444.
Familial spontaneous pneumothorax (PSP). Identifiers: Orphanet 2903, MedGen C1868193, MONDO:0008259, OMIM 173600.
Nonpapillary renal cell carcinoma. Identifiers: Orphanet 422526, MedGen CN074294, MONDO:0007763, OMIM 144700.
17p11.2 microduplication syndrome (PTLS). Also called: CHROMOSOME 17p11.2 DUPLICATION SYNDROME; Potocki-Lupski syndrome; Duplication 17p11.2 syndrome; Potocki-Lupski syndrome (dup(17)(p11.2p11.2)). Identifiers: Orphanet 1713, MedGen C2931246, MONDO:0012574, OMIM 610883.
Colorectal cancer. Also called: Malignant Colorectal Neoplasm; Colorectal cancer, somatic. Identifiers: MedGen C0346629, MONDO:0005575, OMIM 114500.

Allele frequency attached by ClinVar (database versions not stated): gnomAD exomes below 0.00001; ExAC 0.00001.
gnomAD v4.1: 14 of 1,614,068 alleles (0.00087%); highest among the groups gnomAD compares: Middle Eastern, 0.016%; no homozygotes.

Submissions (6):

Labcorp Genetics (formerly Invitae), Labcorp
Classification: Likely benign for Birt-Hogg-Dube syndrome. Last evaluated: 2025-11-11. Review status: criteria provided, single submitter. Criteria: Invitae Variant Classification Sherloc (09022015). Collection method: clinical testing. Allele origin: germline.

Center for Genomic Medicine, Rigshospitalet, Copenhagen University Hospital
Classification: Likely benign. Last evaluated: 2025-03-04. Review status: criteria provided, single submitter. Criteria: ACMG Guidelines, 2015. Collection method: clinical testing. Allele origin: germline.

Quest Diagnostics Nichols Institute San Juan Capistrano
Classification: Likely benign. Last evaluated: 2025-01-08. Review status: criteria provided, single submitter. Criteria: Quest Diagnostics criteria. Collection method: clinical testing. Allele origin: unknown.

Myriad Genetics, Inc.
Classification: Benign for Birt-Hogg-Dube syndrome 1. Last evaluated: 2024-10-23. Review status: criteria provided, single submitter. Criteria: Myriad Autosomal Dominant, Autosomal Recessive and X-Linked Classification Criteria (2023). Collection method: clinical testing. Allele origin: unknown.
Comment: This variant is considered benign. This variant is a silent/synonymous amino acid change and it is not expected to impact splicing.

Fulgent Genetics
Classification: Likely benign for Colorectal cancer; Birt-Hogg-Dube syndrome 1; Nonpapillary renal cell carcinoma; Familial spontaneous pneumothorax; 17p11.2 microduplication syndrome. Last evaluated: 2022-04-19. Review status: criteria provided, single submitter. Criteria: ACMG Guidelines, 2015. Collection method: clinical testing. Allele origin: unknown.

Ambry Genetics
Classification: Likely benign for Hereditary cancer-predisposing syndrome. Last evaluated: 2019-05-05. Review status: criteria provided, single submitter. Criteria: Ambry Variant Classification Scheme 2023. Collection method: clinical testing. Allele origin: germline.

Literature cited by the submitters: PubMed 33137092 (cited by Quest Diagnostics Nichols Institute San Juan Capistrano).